The following is an entry in ClinVar:

NM_004104.5(FASN):c.4277A>G (p.Glu1426Gly)

Gene: FASN (fatty acid synthase; minus strand). Cytogenetic location: 17q25.3.
Variant type: single nucleotide variant.
Coding change: c.4277A>G on transcript NM_004104.5 (MANE Select); coding-DNA position 4277, A replaced by G.
Protein change: p.Glu1426Gly; replaces glutamic acid 1426 with glycine.
Molecular consequence: missense variant.
Genome position (GRCh38, 1-based): chr17:82,085,248, T>C on the plus strand (A>G on the coding strand, the complement: FASN is on the minus strand). VCF-style: chr17-82085248-T-C. GRCh37 (hg19) VCF-style: chr17-80043124-T-C.
Other names: short protein forms E1426G.
Identifiers: ClinVar variation 2914805 (VCV002914805.3), dbSNP rs987534686, ClinGen allele CA295129860.

ClinVar aggregate classification (germline): Uncertain significance (1 of 4 stars; one submission).

Conditions:
Epileptic encephalopathy. Identifiers: MedGen C0543888, HP:0200134.

Allele frequency attached by ClinVar (database versions not stated): gnomAD exomes below 0.00001; TOPMed 0.00001.
gnomAD v4.1: 2 of 1,611,682 alleles (0.00012%); highest among the groups gnomAD compares: Admixed American, 0.0017%; no homozygotes.

Submission:

Labcorp Genetics (formerly Invitae), Labcorp
Classification: Uncertain significance for Epileptic encephalopathy. Last evaluated: 2023-11-27. Review status: criteria provided, single submitter. Criteria: Invitae Variant Classification Sherloc (09022015). Collection method: clinical testing. Allele origin: germline.
Comment: This sequence change replaces glutamic acid, which is acidic and polar, with glycine, which is neutral and non-polar, at codon 1426 of the FASN protein (p.Glu1426Gly). This variant is present in population databases (no rsID available, gnomAD 0.003%). This variant has not been reported in the literature in individuals affected with FASN-related conditions. An algorithm developed to predict the effect of missense changes on protein structure and function (PolyPhen-2) suggests that this variant is likely to be disruptive. In summary, the available evidence is currently insufficient to determine the role of this variant in disease. Therefore, it has been classified as a Variant of Uncertain Significance.